The following is an entry in ClinVar:

ClinVar aggregate classification (germline): Conflicting classifications of pathogenicity. Review status: criteria provided, conflicting classifications (1 of 4 stars). 5 submissions from 4 submitters: Uncertain significance (2); Benign (1); Likely benign (2). Last evaluated 2026-06-17.

Conditions:
Polyps, multiple and recurrent inflammatory fibroid, gastrointestinal. Identifiers: MedGen C5193005, MONDO:0008285, OMIM 175510.
Idiopathic hypereosinophilic syndrome (HES). Identifiers: Orphanet 3260, MedGen C0206141, MONDO:0011895, OMIM 607685. Disease mechanism: gain of function.
Hereditary cancer-predisposing syndrome. Also called: Hereditary neoplastic syndrome; Neoplastic Syndromes, Hereditary; Hereditary Cancer Syndrome; Tumor predisposition. Identifiers: Orphanet 140162, MedGen C0027672, MeSH D009386, MONDO:0015356.
Gastrointestinal stromal tumor. Also called: Gastrointestinal stromal tumor, somatic; Gastrointestinal stroma tumor. Identifiers: Orphanet 44890, MedGen C0238198, MeSH D046152, MONDO:0011719, OMIM 606764, HP:0100723.

Allele frequency attached by ClinVar (database versions not stated): gnomAD below 0.00001 and 0.00001; TOPMed below 0.00001; ExAC 0.00001; gnomAD exomes 0.00001 and 0.00002.
gnomAD v4.1: 10 of 1,613,476 alleles (0.00062%); highest among the groups gnomAD compares: South Asian, 0.011%; no homozygotes.

Submissions (5):

Myriad Genetics, Inc.
Classification: Benign for Polyps, multiple and recurrent inflammatory fibroid, gastrointestinal. Last evaluated: 2026-06-17. Review status: criteria provided, single submitter. Criteria: Myriad Autosomal Dominant, Autosomal Recessive and X-Linked Classification Criteria (2023). Collection method: clinical testing. Allele origin: unknown.
Comment: This variant is considered benign. This variant is a silent/synonymous amino acid change and it is not expected to impact splicing.

Labcorp Genetics (formerly Invitae), Labcorp
Classification: Likely benign for Gastrointestinal stromal tumor. Last evaluated: 2025-12-22. Review status: criteria provided, single submitter. Criteria: Invitae Variant Classification Sherloc (09022015). Collection method: clinical testing. Allele origin: germline.

Ambry Genetics
Classification: Likely benign for Hereditary cancer-predisposing syndrome. Last evaluated: 2023-03-09. Review status: criteria provided, single submitter. Criteria: Ambry Variant Classification Scheme 2023. Collection method: clinical testing. Allele origin: germline.

Illumina Laboratory Services, Illumina
Classification: Uncertain significance for Idiopathic hypereosinophilic syndrome. Last evaluated: 2018-01-13. Review status: criteria provided, single submitter. Criteria: ICSL Variant Classification Criteria 13 December 2019. Collection method: clinical testing. Allele origin: germline.

Illumina Laboratory Services, Illumina
Classification: Uncertain significance for Gastrointestinal stromal tumor. Last evaluated: 2018-01-13. Review status: criteria provided, single submitter. Criteria: ICSL Variant Classification Criteria 13 December 2019. Collection method: clinical testing. Allele origin: germline.

NM_006206.6(PDGFRA):c.2040A>C (p.Gly680=)

Gene: PDGFRA (platelet derived growth factor receptor alpha; plus strand). Cytogenetic location: 4q12.
Variant type: single nucleotide variant.
Coding change: c.2040A>C on transcript NM_006206.6 (MANE Select); coding-DNA position 2040, A replaced by C.
Protein change: p.Gly680=; no amino-acid change (glycine 680 retained).
Molecular consequence: synonymous variant.
Genome position (GRCh38, 1-based): chr4:54,278,399, A>C. VCF-style: chr4-54278399-A-C. GRCh37 (hg19) VCF-style: chr4-55144566-A-C.
Other names: c.2040A>C, p.Gly680= (NM_001347827.2, NM_001347829.2); c.2115A>C, p.Gly705= (NM_001347828.2); c.2079A>C, p.Gly693= (NM_001347830.2).
Identifiers: ClinVar variation 528682 (VCV000528682.19), dbSNP rs773679384, ClinGen allele CA2922741.
Genomic context (GRCh38, chr4:54,278,399, plus strand): 5'-CCTAACGGCTTTTGTCCCCATAGGCCCCATTTACATCATCACAGAGTATTGCTTCTATGG[A>C]GATTTGGTCAACTATTTGCATAAGAATAGGGATAGCTTCCTGAGCCACCACCCAGAGAAG-3'
Protein context (NP_006197.1, residues 670-690): IYIITEYCFY[Gly680=]DLVNYLHKNR